The following is an entry in ClinVar:

NC_000023.11:g.(?_31773940)_(31968534_?)del

Genes: DMD (dystrophin; minus strand), LOC129391296 (MPRA-validated peak7373 silencer; plus strand). Cytogenetic location: Xp21.1.
Variant type: Deletion.
Identifiers: ClinVar variation 526166 (VCV000526166.2).

ClinVar aggregate classification (germline): Pathogenic (1 of 4 stars; one submission).

Conditions:
Duchenne muscular dystrophy (DMD). Also called: Duchenne Muscular Dystrophy (DMD); MUSCULAR DYSTROPHY, PSEUDOHYPERTROPHIC PROGRESSIVE, DUCHENNE TYPE. Identifiers: Orphanet 98896, MedGen C0013264, MONDO:0010679, OMIM 310200.

Submission:

Labcorp Genetics (formerly Invitae), Labcorp
Classification: Pathogenic for Duchenne muscular dystrophy. Last evaluated: 2022-10-22. Review status: criteria provided, single submitter. Criteria: Invitae Variant Classification Sherloc (09022015). Collection method: clinical testing. Allele origin: germline.
Comment: This variant is a gross deletion of the genomic region encompassing exon(s) 45-51 of the DMD gene. This variant would be expected to be in-frame, preserving the integrity of the reading frame. A similar copy number variant has been observed in individuals with DMD-related dystrophinopathies (PMID: 9007319, 9619643, 19367636, 20153965, 25348330, 28878337). For these reasons, this variant has been classified as Pathogenic.

Literature cited by the submitters: PubMed 9007319; PubMed 9619643; PubMed 19367636; PubMed 20153965; PubMed 25348330; PubMed 28878337.